The following is an entry in ClinVar:

NM_001367561.1(DOCK7):c.4298G>A (p.Gly1433Glu)

Gene: DOCK7 (dedicator of cytokinesis 7; minus strand). Cytogenetic location: 1p31.3.
Variant type: single nucleotide variant.
Coding change: c.4298G>A on transcript NM_001367561.1 (MANE Select); coding-DNA position 4298, G replaced by A.
Protein change: p.Gly1433Glu; replaces glycine 1433 with glutamic acid.
Molecular consequence: missense variant.
Genome position (GRCh38, 1-based): chr1:62,510,658, C>T on the plus strand (G>A on the coding strand, the complement: DOCK7 is on the minus strand). VCF-style: chr1-62510658-C-T. GRCh37 (hg19) VCF-style: chr1-62976329-C-T.
Other names: c.4271G>A, p.Gly1424Glu (NM_001271999.2, NM_001330614.2); c.4178G>A, p.Gly1393Glu (NM_001272000.2, NM_001272001.2); c.4205G>A, p.Gly1402Glu (NM_033407.4); short protein forms G1433E, G1402E, G1424E, G1393E.
Identifiers: ClinVar variation 2110794 (VCV002110794.4), dbSNP rs2524333816, ClinGen allele CA340622875.

ClinVar aggregate classification (germline): Uncertain significance (1 of 4 stars; one submission).

Conditions:
Developmental and epileptic encephalopathy, 23 (DEE23). Also called: Epileptic encephalopathy, early infantile, 23. Identifiers: Orphanet 411986, MedGen C4014492, MONDO:0014371, OMIM 615859.

Submission:

Labcorp Genetics (formerly Invitae), Labcorp
Classification: Uncertain significance for Developmental and epileptic encephalopathy, 23. Last evaluated: 2022-03-13. Review status: criteria provided, single submitter. Criteria: Invitae Variant Classification Sherloc (09022015). Collection method: clinical testing. Allele origin: germline.
Comment: In summary, the available evidence is currently insufficient to determine the role of this variant in disease. Therefore, it has been classified as a Variant of Uncertain Significance. Algorithms developed to predict the effect of missense changes on protein structure and function are either unavailable or do not agree on the potential impact of this missense change (SIFT: "Deleterious"; PolyPhen-2: "Benign"; Align-GVGD: "Class C0"). This variant has not been reported in the literature in individuals affected with DOCK7-related conditions. This variant is not present in population databases (gnomAD no frequency). This sequence change replaces glycine, which is neutral and non-polar, with glutamic acid, which is acidic and polar, at codon 1424 of the DOCK7 protein (p.Gly1424Glu).